The following is an entry in ClinVar:

ClinVar aggregate classification (germline): Likely benign (1 of 4 stars; one submission).

Allele frequency attached by ClinVar (database versions not stated): 1000 Genomes Project 0.00060; 1000 Genomes Project 30x 0.00062; TOPMed 0.00173; ESP Exome Variant Server 0.00208; gnomAD 0.00279; ExAC 0.00316.
gnomAD v4.1: 4,289 of 1,613,956 alleles (0.27%); highest among the groups gnomAD compares: Non-Finnish European, 0.3%; 16 homozygotes.

Submission:

CeGaT Center for Human Genetics Tuebingen
Classification: Likely benign. Last evaluated: 2023-02-01. Review status: criteria provided, single submitter. Criteria: CeGaT Center For Human Genetics Tuebingen Variant Classification Criteria Version 2. Collection method: clinical testing. Allele origin: germline. Affected: yes. Observed: 1 variant allele.
Comment: ETNK2: BP4, BS2

NM_018208.4(ETNK2):c.909G>C (p.Glu303Asp)

Gene: ETNK2 (ethanolamine kinase 2; minus strand). Cytogenetic location: 1q32.1.
Variant type: single nucleotide variant.
Coding change: c.909G>C on transcript NM_018208.4 (MANE Select); coding-DNA position 909, G replaced by C.
Protein change: p.Glu303Asp; replaces glutamic acid 303 with aspartic acid.
Molecular consequence: missense variant.
Genome position (GRCh38, 1-based): chr1:204,137,209, C>G on the plus strand (G>C on the coding strand, the complement: ETNK2 is on the minus strand). VCF-style: chr1-204137209-C-G. GRCh37 (hg19) VCF-style: chr1-204106337-C-G.
Other names: c.909G>C, p.Glu303Asp (NM_001297760.2); c.375G>C, p.Glu125Asp (NM_001297761.2); c.786G>C, p.Glu262Asp (NM_001297762.2); short protein forms E125D, E262D, E303D.
Identifiers: ClinVar variation 2639824 (VCV002639824.24), dbSNP rs140658518, ClinGen allele CA1344319.
Genomic context (GRCh38, chr1:204,137,209, plus strand): 5'-GGGGGTCACGGCCATCCCCTTTTGTGCCTGCAGGTAGTAGTGCAGCCACTGCAGCTGGGT[C>G]TCCCGCGCCGGGTACAGGCAGTAATCCACCTCATTCACGCCTGAGGGGGAGGCAGGCCAG-3'
Protein context (NP_060678.2, residues 293-313): EVDYCLYPAR[Glu303Asp]TQLQWLHYYL